The following is an entry in ClinVar:

NM_004415.4(DSP):c.6255_6256del (p.Gln2085fs)

Gene: DSP (desmoplakin; plus strand). Cytogenetic location: 6p24.3.
Variant type: Deletion.
Coding change: c.6255_6256del on transcript NM_004415.4 (MANE Select); coding-DNA positions 6255 to 6256, 2 bases deleted (GA; older notation c.6255_6256delGA).
Protein change: p.Gln2085fs; shifts the reading frame from glutamine 2085.
Molecular consequence: frameshift variant.
Genome position (GRCh38, 1-based): chr6:7,583,517-7,583,518, GA deleted; deleting any 2 consecutive bases within chr6:7,583,516-7,583,518 gives the same sequence; the c. name uses the placement nearest the transcript's 3' end. VCF-style (leftmost placement, unchanged base first): chr6-7583515-CAG-C. GRCh37 (hg19) VCF-style: chr6-7583748-CAG-C.
Other names: c.4458_4459del, p.Gln1486fs (NM_001008844.3); c.4926_4927del, p.Gln1642fs (NM_001319034.2); short protein forms Q1486fs, Q1642fs, Q2085fs.
Identifiers: ClinVar variation 4535413 (VCV004535413.6).
Genomic context (GRCh38, chr6:7,583,515, plus strand): 5'-GAGAAGCTGACTGTCGACAGTGCCATAGCTCGGGACCTCATTGACTTCGATGACCGTCAG[CAG>C]ATATATGCAGCAGAAAAAGCTATCACTGGTTTTGATGATCCATTTTCAGGCAAGACAGTA-3'

ClinVar aggregate classification (germline): Likely pathogenic (1 of 4 stars; one submission).

Submission:

CeGaT Center for Human Genetics Tuebingen
Classification: Likely pathogenic. Last evaluated: 2025-12-01. Review status: criteria provided, single submitter. Criteria: CeGaT Center For Human Genetics Tuebingen Variant Classification Criteria Version 2. Collection method: clinical testing. Allele origin: germline. Affected: yes. Observed: 1 variant allele.
Comment: DSP: PVS1:Strong, PM2